The following is an entry in ClinVar:

ClinVar aggregate classification (germline): Likely benign. Review status: criteria provided, multiple submitters, no conflicts (2 of 4 stars). 3 submissions from 3 submitters: Likely benign (3). Last evaluated 2025-01-28.

Allele frequency attached by ClinVar (database versions not stated): TOPMed below 0.00001; gnomAD 0.00001; gnomAD exomes 0.00001 and 0.00002; ExAC 0.00008.
gnomAD v4.1: 12 of 1,539,444 alleles (0.00078%); highest among the groups gnomAD compares: East Asian, 0.0024%; no homozygotes.

Submissions (3):

Mayo Clinic Laboratories, Mayo Clinic
Classification: Likely benign. Last evaluated: 2025-01-28. Review status: criteria provided, single submitter. Criteria: ACMG Guidelines, 2015. Collection method: clinical testing. Allele origin: germline. Observed: 1 variant allele.
Comment: BP4, BP7

Labcorp Genetics (formerly Invitae), Labcorp
Classification: Likely benign. Last evaluated: 2024-11-05. Review status: criteria provided, single submitter. Criteria: Invitae Variant Classification Sherloc (09022015). Collection method: clinical testing. Allele origin: germline.

CeGaT Center for Human Genetics Tuebingen
Classification: Likely benign. Last evaluated: 2021-03-01. Review status: criteria provided, single submitter. Criteria: CeGaT Center For Human Genetics Tuebingen Variant Classification Criteria Version 2. Collection method: clinical testing. Allele origin: germline. Affected: yes. Observed: 1 variant allele.

NM_000435.3(NOTCH3):c.6510C>T (p.Leu2170=)

Gene: NOTCH3 (notch receptor 3; minus strand). Cytogenetic location: 19p13.12.
Variant type: single nucleotide variant.
Coding change: c.6510C>T on transcript NM_000435.3 (MANE Select); coding-DNA position 6510, C replaced by T.
Protein change: p.Leu2170=; no amino-acid change (leucine 2170 retained).
Molecular consequence: synonymous variant.
Genome position (GRCh38, 1-based): chr19:15,161,118, G>A on the plus strand (C>T on the coding strand, the complement: NOTCH3 is on the minus strand). VCF-style: chr19-15161118-G-A. GRCh37 (hg19) VCF-style: chr19-15271929-G-A.
Other names: p.Leu2170=.
Identifiers: ClinVar variation 1175943 (VCV001175943.41), dbSNP rs754442174, ClinGen allele CA9262364.
Genomic context (GRCh38, chr19:15,161,118, plus strand): 5'-CGCCAGTGGCAGCAGGAACGAGGGGCCTGGAGGGGCAGGTGGGGGCAGCCGGGCCCAATC[G>A]AGGGGCACAGCCACAGGGTTCAGCAGGCCCAGGCTGAGTACACATCCTCCAGGGGGCTGG-3'
Protein context (NP_000426.2, residues 2160-2180): LGLLNPVAVP[Leu2170=]DWARLPPPAP